The following is an entry in ClinVar:

NM_024301.5(FKRP):c.607C>T (p.Arg203Cys)

Gene: FKRP (fukutin related protein; plus strand). Cytogenetic location: 19q13.32.
Variant type: single nucleotide variant.
Coding change: c.607C>T on transcript NM_024301.5 (MANE Select); coding-DNA position 607, C replaced by T.
Protein change: p.Arg203Cys; replaces arginine 203 with cysteine.
Molecular consequence: missense variant.
Genome position (GRCh38, 1-based): chr19:46,756,057, C>T. VCF-style: chr19-46756057-C-T. GRCh37 (hg19) VCF-style: chr19-47259314-C-T.
Other names: c.607C>T (NM_024301.4); c.607C>T, p.Arg203Cys (NM_001039885.3); short protein forms R203C.
Identifiers: ClinVar variation 1879447 (VCV001879447.36), dbSNP rs1252655162, ClinGen allele CA406495656.

ClinVar aggregate classification (germline): Uncertain significance. Review status: criteria provided, multiple submitters, no conflicts (2 of 4 stars). 3 submissions from 3 submitters: Uncertain significance (3). Last evaluated 2024-09-09.

Conditions:
Walker-Warburg congenital muscular dystrophy. Also called: Muscular dystrophy-dystroglycanopathy, type A; Walker-Warburg syndrome. Identifiers: Orphanet 899, MedGen C0265221, MONDO:0000171.
Cardiovascular phenotype. Identifiers: MedGen CN230736.

Allele frequency attached by ClinVar (database versions not stated): gnomAD exomes below 0.00001.
gnomAD v4.1: 5 of 1,575,446 alleles (0.00032%); highest among the groups gnomAD compares: South Asian, 0.0011%; no homozygotes.

Submissions (3):

Labcorp Genetics (formerly Invitae), Labcorp
Classification: Uncertain significance for Walker-Warburg congenital muscular dystrophy. Last evaluated: 2024-09-09. Review status: criteria provided, single submitter. Criteria: Invitae Variant Classification Sherloc (09022015). Collection method: clinical testing. Allele origin: germline.
Comment: This sequence change replaces arginine, which is basic and polar, with cysteine, which is neutral and slightly polar, at codon 203 of the FKRP protein (p.Arg203Cys). This variant is not present in population databases (gnomAD no frequency). This missense change has been observed in individual(s) with limb-girdle muscular dystrophy (PMID: 28688748). ClinVar contains an entry for this variant (Variation ID: 1879447). Invitae Evidence Modeling of protein sequence and biophysical properties (such as structural, functional, and spatial information, amino acid conservation, physicochemical variation, residue mobility, and thermodynamic stability) indicates that this missense variant is expected to disrupt FKRP protein function with a positive predictive value of 95%. In summary, the available evidence is currently insufficient to determine the role of this variant in disease. Therefore, it has been classified as a Variant of Uncertain Significance.

Ambry Genetics
Classification: Uncertain significance for Cardiovascular phenotype. Last evaluated: 2023-05-04. Review status: criteria provided, single submitter. Criteria: Ambry Variant Classification Scheme 2023. Collection method: clinical testing. Allele origin: germline.
Comment: The p.R203C variant (also known as c.607C>T), located in coding exon 1 of the FKRP gene, results from a C to T substitution at nucleotide position 607. The arginine at codon 203 is replaced by cysteine, an amino acid with highly dissimilar properties. This alteration has been reported in a muscular dystrophy cohort (Sframeli M et al. Neuromuscul Disord, 2017 Sep;27:793-803). This amino acid position is highly conserved in available vertebrate species. In addition, this alteration is predicted to be deleterious by in silico analysis. Since supporting evidence is limited at this time, the clinical significance of this alteration remains unclear.

CeGaT Center for Human Genetics Tuebingen
Classification: Uncertain significance. Last evaluated: 2022-10-01. Review status: criteria provided, single submitter. Criteria: CeGaT Center For Human Genetics Tuebingen Variant Classification Criteria Version 2. Collection method: clinical testing. Allele origin: germline. Affected: yes. Observed: 1 variant allele.
Comment: FKRP: PM2, PM3:Supporting, PP3, PS4:Supporting

Literature cited by the submitters: PubMed 28688748 (cited by Labcorp Genetics (formerly Invitae), Labcorp and Ambry Genetics).